The following is an entry in ClinVar:

NM_024757.5(EHMT1):c.101C>T (p.Ala34Val)

Gene: EHMT1 (euchromatic histone lysine methyltransferase 1; plus strand). Cytogenetic location: 9q34.3.
Variant type: single nucleotide variant.
Coding change: c.101C>T on transcript NM_024757.5 (MANE Select); coding-DNA position 101, C replaced by T.
Protein change: p.Ala34Val; replaces alanine 34 with valine.
Molecular consequence: missense variant.
Genome position (GRCh38, 1-based): chr9:137,716,641, C>T. VCF-style: chr9-137716641-C-T. GRCh37 (hg19) VCF-style: chr9-140611093-C-T.
Other names: c.101C>T, p.Ala34Val (NM_001145527.2, NM_001354263.2, NM_001354611.2); c.8C>T, p.Ala3Val (NM_001354259.2, NM_001354612.2); short protein forms A34V, A3V.
Identifiers: ClinVar variation 1301186 (VCV001301186.9), dbSNP rs546468286, ClinGen allele CA375762132.
Genomic context (GRCh38, chr9:137,716,641, plus strand): 5'-GAGAGCGTGGCCTGCAGTCAGTGACACTCGTTTCTTTGTTGGCAGAGACACCTATGGCTG[C>T]CGATGAAGGCTCAGCAGAGAAACAGGCAGGAGAGGCCCACATGGCTGCGGACGGTGAGAC-3'
Protein context (NP_079033.4, residues 24-44): ELLGEETPMA[Ala34Val]DEGSAEKQAG

ClinVar aggregate classification (germline): Conflicting classifications of pathogenicity. Review status: criteria provided, conflicting classifications (1 of 4 stars). 2 submissions from 2 submitters: Uncertain significance (1); Likely benign (1). Last evaluated 2025-09-16.

Conditions:
Kleefstra syndrome 1 (KLEFS1). Identifiers: Orphanet 261494, MedGen C0795833, MONDO:0027407, OMIM 610253.

Allele frequency attached by ClinVar (database versions not stated): TOPMed below 0.00001.
gnomAD v4.1: 8 of 1,571,980 alleles (0.00051%); highest among the groups gnomAD compares: Non-Finnish European, 0.00061%; no homozygotes.

Submissions (2):

Labcorp Genetics (formerly Invitae), Labcorp
Classification: Likely benign for Kleefstra syndrome 1. Last evaluated: 2025-09-16. Review status: criteria provided, single submitter. Criteria: Invitae Variant Classification Sherloc (09022015). Collection method: clinical testing. Allele origin: germline.

GeneDx
Classification: Uncertain significance. Last evaluated: 2021-08-27. Review status: criteria provided, single submitter. Criteria: GeneDx Variant Classification Process June 2021. Collection method: clinical testing. Allele origin: germline. Affected: yes.
Comment: Has not been previously published as pathogenic or benign to our knowledge; Not observed at significant frequency in large population cohorts (Lek et al., 2016); In silico analysis supports that this missense variant does not alter protein structure/function